The following is an entry in ClinVar:

NM_054027.6(ANKH):c.1357C>T (p.Arg453Trp)

Genes: ANKH (ANKH inorganic pyrophosphate transport regulator; minus strand), OTULIN (OTU deubiquitinase with linear linkage specificity; plus strand), LOC100130744 (uncharacterized LOC100130744; plus strand). Cytogenetic location: 5p15.2.
Variant type: single nucleotide variant.
Coding change: c.1357C>T on transcript NM_054027.6 (MANE Select); coding-DNA position 1357, C replaced by T.
Protein change: p.Arg453Trp; replaces arginine 453 with tryptophan.
Molecular consequence: missense variant. On other transcripts: non-coding transcript variant (1).
Genome position (GRCh38, 1-based): chr5:14,712,882, G>A on the plus strand (C>T on the coding strand, the complement: ANKH is on the minus strand). VCF-style: chr5-14712882-G-A. GRCh37 (hg19) VCF-style: chr5-14712991-G-A.
Other names: short protein forms R453W.
Identifiers: ClinVar variation 905793 (VCV000905793.16), dbSNP rs761349696, ClinGen allele CA3208831.

ClinVar aggregate classification (germline): Conflicting classifications of pathogenicity. Review status: criteria provided, conflicting classifications (1 of 4 stars). 4 submissions from 3 submitters: Uncertain significance (2); Benign (2). Last evaluated 2025-11-02.

Conditions:
Chondrocalcinosis 2. Also called: Familial calcium pyrophosphate deposition; CALCIUM GOUT; CALCIUM PYROPHOSPHATE ARTHROPATHY. Identifiers: Orphanet 1416, MedGen C0856830, MONDO:0007319, OMIM 118600.
Inborn genetic diseases. Identifiers: MedGen C0950123, MeSH D030342.
Craniometaphyseal dysplasia, autosomal dominant (CMDD). Identifiers: Orphanet 1522, MedGen C1852502, MONDO:0007397, OMIM 123000.

Allele frequency attached by ClinVar (database versions not stated): gnomAD exomes 0.00002; ExAC 0.00004.
gnomAD v4.1: 41 of 1,609,410 alleles (0.0025%); highest among the groups gnomAD compares: Middle Eastern, 0.31%; 2 homozygotes.

Submissions (4):

Ambry Genetics
Classification: Uncertain significance for Inborn genetic diseases. Last evaluated: 2025-11-02. Review status: criteria provided, single submitter. Criteria: Ambry Variant Classification Scheme 2023. Collection method: clinical testing. Allele origin: germline.

Labcorp Genetics (formerly Invitae), Labcorp
Classification: Uncertain significance. Last evaluated: 2024-10-07. Review status: criteria provided, single submitter. Criteria: Invitae Variant Classification Sherloc (09022015). Collection method: clinical testing. Allele origin: germline.
Comment: This sequence change replaces arginine, which is basic and polar, with tryptophan, which is neutral and slightly polar, at codon 453 of the ANKH protein (p.Arg453Trp). This variant is present in population databases (rs761349696, gnomAD 0.01%). This variant has not been reported in the literature in individuals affected with ANKH-related conditions. ClinVar contains an entry for this variant (Variation ID: 905793). An algorithm developed to predict the effect of missense changes on protein structure and function (PolyPhen-2) suggests that this variant is likely to be disruptive. In summary, the available evidence is currently insufficient to determine the role of this variant in disease. Therefore, it has been classified as a Variant of Uncertain Significance.

Illumina Laboratory Services, Illumina
Classification: Benign for Craniometaphyseal dysplasia, autosomal dominant. Last evaluated: 2018-01-12. Review status: criteria provided, single submitter. Criteria: ICSL Variant Classification Criteria 13 December 2019. Collection method: clinical testing. Allele origin: germline.
Comment: This variant was observed in the ICSL laboratory as part of a predisposition screen in an ostensibly healthy population. It had not been previously curated by ICSL or reported in the Human Gene Mutation Database (HGMD: prior to June 1st, 2018), and was therefore a candidate for classification through an automated scoring system. Utilizing variant allele frequency, disease prevalence and penetrance estimates, and inheritance mode, an automated score was calculated to assess if this variant is too frequent to cause the disease. Based on the score and internal cut-off values, a variant classified as benign is not then subjected to further curation. The score for this variant resulted in a classification of benign for this disease.

Illumina Laboratory Services, Illumina
Classification: Benign for Chondrocalcinosis 2. Last evaluated: 2018-01-12. Review status: criteria provided, single submitter. Criteria: ICSL Variant Classification Criteria 13 December 2019. Collection method: clinical testing. Allele origin: germline.
Comment: the same text as in the submission from Illumina Laboratory Services, Illumina above.